The following is an entry in ClinVar:

NM_201384.3(PLEC):c.7560C>T (p.Phe2520=)

Gene: PLEC (plectin; minus strand). Cytogenetic location: 8q24.3.
Variant type: single nucleotide variant.
Coding change: c.7560C>T on transcript NM_201384.3 (MANE Select); coding-DNA position 7560, C replaced by T.
Protein change: p.Phe2520=; no amino-acid change (phenylalanine 2520 retained).
Molecular consequence: synonymous variant.
Genome position (GRCh38, 1-based): chr8:143,922,261, G>A on the plus strand (C>T on the coding strand, the complement: PLEC is on the minus strand). VCF-style: chr8-143922261-G-A. GRCh37 (hg19) VCF-style: chr8-144996429-G-A.
Other names: c.7641C>T, p.Phe2547= (NM_000445.5); c.4260C>T, p.Phe1420= (NM_001410941.1); c.7518C>T, p.Phe2506= (NM_201378.4); c.7494C>T, p.Phe2498= (NM_201379.3); c.7971C>T, p.Phe2657= (NM_201380.4); c.7464C>T, p.Phe2488= (NM_201381.3); c.7560C>T, p.Phe2520= (NM_201382.4); c.7572C>T, p.Phe2524= (NM_201383.3).
Identifiers: ClinVar variation 4996251 (VCV004996251.1).
Genomic context (GRCh38, chr8:143,922,261, plus strand): 5'-CTGCTGCTGCTGCCGCTGCTGCTCCTCACGCAGCTGCTGTGCCTTGGCCACCTCGTCCTG[G>A]AAGAGCTGCTCCAGCTTGGCCTTCTCCTGCTCGATGAAGCGCTCCCGCTGTAGCAGGCTG-3'
Protein context (NP_958786.1, residues 2510-2530): EQEKAKLEQL[Phe2520=]QDEVAKAQQL

ClinVar aggregate classification (germline): Likely benign (1 of 4 stars; one submission).

Conditions:
PLEC-related disorder. Also called: PLEC-related disorders; PLEC-related condition.

gnomAD v4.1: 2 of 1,600,530 alleles (0.00012%); highest among the groups gnomAD compares: Non-Finnish European, 0.00017%; no homozygotes.

Submission:

PreventionGenetics, part of Exact Sciences
Classification: Likely benign for PLEC-related condition. Last evaluated: 2026-09-23. Review status: criteria provided, single submitter. Criteria: ACMG Guidelines, 2015. Collection method: clinical testing. Allele origin: germline.
Comment: This variant is classified as likely benign based on ACMG/AMP sequence variant interpretation guidelines (Richards et al. 2015 PMID: 25741868, with internal and published modifications).